The following is an entry in ClinVar:

NM_003227.4(TFR2):c.2162del (p.Tyr721fs)

Gene: TFR2 (transferrin receptor 2; minus strand). Cytogenetic location: 7q22.1.
Variant type: Deletion.
Coding change: c.2162del on transcript NM_003227.4 (MANE Select); coding-DNA position 2162, one base deleted (A; older notation c.2162delA).
Protein change: p.Tyr721fs; shifts the reading frame from tyrosine 721.
Molecular consequence: frameshift variant.
Genome position (GRCh38, 1-based): chr7:100,621,101, T deleted on the plus strand (A on the coding strand, the reverse complement: TFR2 is on the minus strand). VCF-style (leftmost placement, unchanged base first): chr7-100621100-GT-G. GRCh37 (hg19) VCF-style: chr7-100218723-GT-G.
Other names: c.1649del, p.Tyr550fs (NM_001206855.3); short protein forms Y550fs, Y721fs.
Identifiers: ClinVar variation 1066600 (VCV001066600.9), dbSNP rs2131304244, ClinGen allele CA2499218613.

ClinVar aggregate classification (germline): Likely pathogenic (1 of 4 stars; one submission).

Conditions:
Hereditary hemochromatosis (HFE). Identifiers: MedGen C0392514, MONDO:0006507. Disease mechanism: loss of function.

Submission:

Labcorp Genetics (formerly Invitae), Labcorp
Classification: Likely pathogenic for Hereditary hemochromatosis. Last evaluated: 2020-02-05. Review status: criteria provided, single submitter. Criteria: Invitae Variant Classification Sherloc (09022015). Collection method: clinical testing. Allele origin: germline.
Comment: This sequence change results in a premature translational stop signal in the TFR2 gene (p.Tyr721Serfs*56). While this is not anticipated to result in nonsense mediated decay, it is expected to disrupt the last 81 amino acids of the TFR2 protein. This variant is not present in population databases (ExAC no frequency). This variant has not been reported in the literature in individuals with TFR2-related conditions. This variant disrupts the p.Gly792 amino acid residue in TFR2. Other variant(s) that disrupt this residue have been determined to be pathogenic (PMID: 16424658, 26029709). This suggests that this residue is clinically significant, and that variants that disrupt this residue are likely to be disease-causing. In summary, the currently available evidence indicates that the variant is pathogenic, but additional data are needed to prove that conclusively. Therefore, this variant has been classified as Likely Pathogenic.

Literature cited by the submitters: PubMed 16424658; PubMed 26029709.